The following is an entry in ClinVar:

NM_004204.5(PIGQ):c.1555C>T (p.Arg519Trp)

Gene: PIGQ (phosphatidylinositol glycan anchor biosynthesis class Q; plus strand). Cytogenetic location: 16p13.3.
Variant type: single nucleotide variant.
Coding change: c.1555C>T on transcript NM_004204.5 (MANE Select); coding-DNA position 1555, C replaced by T.
Protein change: p.Arg519Trp; replaces arginine 519 with tryptophan.
Molecular consequence: missense variant. On other transcripts: intron variant (1).
Genome position (GRCh38, 1-based): chr16:582,271, C>T. VCF-style: chr16-582271-C-T. GRCh37 (hg19) VCF-style: chr16-632271-C-T.
Other names: c.1532-612C>T (NM_148920.4); short protein forms R519W.
Identifiers: ClinVar variation 641336 (VCV000641336.5), dbSNP rs768824250, ClinGen allele CA7780436.

ClinVar aggregate classification (germline): Uncertain significance (1 of 4 stars; one submission).

Conditions:
Epilepsy. Also called: Seizure disorder. Identifiers: MedGen C0014544, MeSH D004827, MONDO:0005027.

Allele frequency attached by ClinVar (database versions not stated): TOPMed 0.00002.
gnomAD v4.1: 13 of 1,606,570 alleles (0.00081%); highest among the groups gnomAD compares: East Asian, 0.011%; no homozygotes.

Submission:

Labcorp Genetics (formerly Invitae), Labcorp
Classification: Uncertain significance for Epilepsy. Last evaluated: 2022-08-13. Review status: criteria provided, single submitter. Criteria: Invitae Variant Classification Sherloc (09022015). Collection method: clinical testing. Allele origin: germline.
Comment: In summary, the available evidence is currently insufficient to determine the role of this variant in disease. Therefore, it has been classified as a Variant of Uncertain Significance. Algorithms developed to predict the effect of missense changes on protein structure and function are either unavailable or do not agree on the potential impact of this missense change (SIFT: "Deleterious"; PolyPhen-2: "Benign"; Align-GVGD: "Class C0"). ClinVar contains an entry for this variant (Variation ID: 641336). This variant has not been reported in the literature in individuals affected with PIGQ-related conditions. The frequency data for this variant in the population databases is considered unreliable, as metrics indicate poor data quality at this position in the gnomAD database. This sequence change replaces arginine, which is basic and polar, with tryptophan, which is neutral and slightly polar, at codon 519 of the PIGQ protein (p.Arg519Trp).